The following is an entry in ClinVar:

ClinVar aggregate classification (germline): Likely pathogenic (1 of 4 stars; one submission).

Conditions:
Menkes kinky-hair syndrome (MNK). Also called: Copper transport disease; Classic Menkes Disease; Menkes Disease. Identifiers: Orphanet 565, MedGen C0022716, MONDO:0010651, OMIM 309400.

Submission:

Myriad Genetics, Inc.
Classification: Likely pathogenic for Menkes kinky-hair syndrome. Last evaluated: 2022-02-05. Review status: criteria provided, single submitter. Criteria: Myriad Autosomal Dominant, Autosomal Recessive and X-Linked Classification Criteria (2023). Collection method: clinical testing. Allele origin: unknown.
Comment: NM_000052.5(ATP7A):c.1439_1443del5(D480Gfs*8) is expected to be pathogenic in the context of ATP7A-related disorders. This variant is predicted to lead to an abnormal or absent protein product due to the creation of a premature termination codon in ATP7A, a gene where loss-of-function variants are known to be pathogenic. Please note: this variant was assessed in the context of healthy population screening.

NM_000052.7(ATP7A):c.1439_1443del (p.Asp480fs)

Gene: ATP7A (ATPase copper transporting alpha; plus strand). Cytogenetic location: Xq21.1.
Variant type: Deletion.
Coding change: c.1439_1443del on transcript NM_000052.7 (MANE Select); coding-DNA positions 1439 to 1443, 5 bases deleted (ACAAG; older notation c.1439_1443delACAAG).
Protein change: p.Asp480fs; shifts the reading frame from aspartic acid 480.
Molecular consequence: frameshift variant.
Genome position (GRCh38, 1-based): chrX:77,998,580-77,998,584, ACAAG deleted; deleting any 5 consecutive bases within chrX:77,998,576-77,998,584 gives the same sequence; the c. name uses the placement nearest the transcript's 3' end. VCF-style (leftmost placement, unchanged base first): chrX-77998575-TCAAGA-T. GRCh37 (hg19) VCF-style: chrX-77254072-TCAAGA-T.
Other names: c.1439_1443del, p.Asp480fs (NM_001282224.2); short protein forms D480fs.
Identifiers: ClinVar variation 1724321 (VCV001724321.3), dbSNP rs2522314496, ClinGen allele CA2580101487.